The following is an entry in ClinVar:

NM_014786.4(ARHGEF17):c.1735G>C (p.Glu579Gln)

Gene: ARHGEF17 (Rho guanine nucleotide exchange factor 17; plus strand). Cytogenetic location: 11q13.4.
Variant type: single nucleotide variant.
Coding change: c.1735G>C on transcript NM_014786.4 (MANE Select); coding-DNA position 1735, G replaced by C.
Protein change: p.Glu579Gln; replaces glutamic acid 579 with glutamine.
Molecular consequence: missense variant.
Genome position (GRCh38, 1-based): chr11:73,310,373, G>C. VCF-style: chr11-73310373-G-C. GRCh37 (hg19) VCF-style: chr11-73021418-G-C.
Other names: short protein forms E579Q.
Identifiers: ClinVar variation 2642136 (VCV002642136.24), dbSNP rs149321700, ClinGen allele CA6177063.

ClinVar aggregate classification (germline): Likely benign (1 of 4 stars; one submission).

Allele frequency attached by ClinVar (database versions not stated): 1000 Genomes Project 30x 0.00031; 1000 Genomes Project 0.00040; ESP Exome Variant Server 0.00123.
gnomAD v4.1: 2,958 of 1,613,876 alleles (0.18%); highest among the groups gnomAD compares: Non-Finnish European, 0.24%; 3 homozygotes.

Submission:

CeGaT Center for Human Genetics Tuebingen
Classification: Likely benign. Last evaluated: 2022-12-01. Review status: criteria provided, single submitter. Criteria: CeGaT Center For Human Genetics Tuebingen Variant Classification Criteria Version 2. Collection method: clinical testing. Allele origin: germline. Affected: yes. Observed: 1 variant allele.
Comment: ARHGEF17: BP4